The following is an entry in ClinVar:

NM_002439.5(MSH3):c.1808C>A (p.Ser603Ter)

Gene: MSH3 (mutS homolog 3; plus strand). Cytogenetic location: 5q14.1.
Variant type: single nucleotide variant.
Coding change: c.1808C>A on transcript NM_002439.5 (MANE Select); coding-DNA position 1808, C replaced by A.
Protein change: p.Ser603Ter; replaces serine 603 with a stop codon.
Molecular consequence: nonsense.
Genome position (GRCh38, 1-based): chr5:80,761,590, C>A. VCF-style: chr5-80761590-C-A. GRCh37 (hg19) VCF-style: chr5-80057409-C-A.
Other names: short protein forms S603*.
Identifiers: ClinVar variation 2095859 (VCV002095859.5), dbSNP rs2546770028, ClinGen allele CA360276555.

ClinVar aggregate classification (germline): Pathogenic/Likely pathogenic. Review status: criteria provided, multiple submitters, no conflicts (2 of 4 stars). 2 submissions from 2 submitters: Pathogenic (1); Likely pathogenic (1). Last evaluated 2025-07-06.

Conditions:
Endometrial carcinoma. Also called: Endometrial carcinoma, somatic. Identifiers: MedGen C0476089, MONDO:0002447, OMIM 608089, HP:0012114.

Submissions (2):

Labcorp Genetics (formerly Invitae), Labcorp
Classification: Pathogenic. Last evaluated: 2025-07-06. Review status: criteria provided, single submitter. Criteria: Invitae Variant Classification Sherloc (09022015). Collection method: clinical testing. Allele origin: germline.
Comment: This sequence change creates a premature translational stop signal (p.Ser603*) in the MSH3 gene. It is expected to result in an absent or disrupted protein product. Loss-of-function variants in MSH3 are known to be pathogenic (PMID: 27476653, 37402566). This variant is not present in population databases (gnomAD no frequency). This variant has not been reported in the literature in individuals affected with MSH3-related conditions. ClinVar contains an entry for this variant (Variation ID: 2095859). For these reasons, this variant has been classified as Pathogenic.

Baylor Genetics
Classification: Likely pathogenic for Endometrial carcinoma. Last evaluated: 2022-06-15. Review status: criteria provided, single submitter. Criteria: ACMG Guidelines, 2015. Collection method: clinical testing. Allele origin: unknown.

Literature cited by the submitters: PubMed 27476653 (cited by Labcorp Genetics (formerly Invitae), Labcorp); PubMed 37402566 (cited by Labcorp Genetics (formerly Invitae), Labcorp).